The following is an entry in ClinVar:

NM_001161352.2(KCNMA1):c.3414C>G (p.Tyr1138Ter)

Genes: KCNMA1 (potassium calcium-activated channel subfamily M alpha 1; minus strand), KCNMA1-AS1 (KCNMA1 antisense RNA 1; plus strand). Cytogenetic location: 10q22.3.
Variant type: single nucleotide variant.
Coding change: c.3414C>G on transcript NM_001161352.2 (MANE Select); coding-DNA position 3414, C replaced by G.
Protein change: p.Tyr1138Ter; replaces tyrosine 1138 with a stop codon.
Molecular consequence: nonsense.
Genome position (GRCh38, 1-based): chr10:76,889,498, G>C on the plus strand (C>G on the coding strand, the complement: KCNMA1 is on the minus strand). VCF-style: chr10-76889498-G-C. GRCh37 (hg19) VCF-style: chr10-78649256-G-C.
Other names: c.3252C>G, p.Tyr1084Ter (NM_001014797.3); c.3363C>G, p.Tyr1121Ter (NM_001161353.2); c.3090C>G, p.Tyr1030Ter (NM_001271518.2); c.3330C>G, p.Tyr1110Ter (NM_001271519.2); c.3249C>G, p.Tyr1083Ter (NM_001322829.2, NM_001322836.2); c.3342C>G, p.Tyr1114Ter (NM_001322830.2); c.3240C>G, p.Tyr1080Ter (NM_001322832.2, NM_001410940.1, NM_002247.4); c.3333C>G, p.Tyr1111Ter (NM_001322835.2, NM_001322837.2); and 3 more; short protein forms Y1030*, Y1080*, Y1083*, Y1084*, Y1109*, Y1110*, Y1111*, Y1114*.
Identifiers: ClinVar variation 4076579 (VCV004076579.1).

ClinVar aggregate classification (germline): Uncertain significance (1 of 4 stars; one submission).

Submission:

GeneDx
Classification: Uncertain significance. Last evaluated: 2025-02-20. Review status: criteria provided, single submitter. Criteria: GeneDx Variant Classification Process June 2021. Collection method: clinical testing. Allele origin: germline. Affected: yes.
Comment: Not observed at significant frequency in large population cohorts (gnomAD); Nonsense variant predicted to result in protein truncation as the last 99 amino acids are lost with an unclear effect on protein function; Has not been previously published as pathogenic or benign to our knowledge